The following is an entry in ClinVar:

NM_003200.5(TCF3):c.1153G>A (p.Gly385Ser)

Gene: TCF3 (transcription factor 3; minus strand). Cytogenetic location: 19p13.3.
Variant type: single nucleotide variant.
Coding change: c.1153G>A on transcript NM_003200.5 (MANE Select); coding-DNA position 1153, G replaced by A.
Protein change: p.Gly385Ser; replaces glycine 385 with serine.
Molecular consequence: missense variant.
Genome position (GRCh38, 1-based): chr19:1,619,794, C>T on the plus strand (G>A on the coding strand, the complement: TCF3 is on the minus strand). VCF-style: chr19-1619794-C-T. GRCh37 (hg19) VCF-style: chr19-1619793-C-T.
Other names: c.1153G>A, p.Gly385Ser (NM_001136139.4, NM_001351778.2, NM_001351779.2); short protein forms G385S.
Identifiers: ClinVar variation 1390322 (VCV001390322.6), dbSNP rs758320527, ClinGen allele CA9050033.
Genomic context (GRCh38, chr19:1,619,794, plus strand): 5'-CAAATTCTGTCGGGGAAGGGTGGGGTGGGGCGGGGCAGGCACTCACCAGGCCGTGGAGAC[C>T]CCCGTCGTAGCTGGGCGATAAGGCACCGGGGGCTCCTGCTCGAGGCCACTGTGACGTTCC-3'
Protein context (NP_003191.1, residues 375-395): PGALSPSYDG[Gly385Ser]LHGLQSKIED

ClinVar aggregate classification (germline): Uncertain significance (1 of 4 stars; one submission).

Allele frequency attached by ClinVar (database versions not stated): gnomAD exomes 0.00001; TOPMed 0.00001; gnomAD 0.00002; ExAC 0.00005.
gnomAD v4.1: 20 of 1,558,758 alleles (0.0013%); highest among the groups gnomAD compares: Non-Finnish European, 0.0016%; no homozygotes.

Submission:

Labcorp Genetics (formerly Invitae), Labcorp
Classification: Uncertain significance. Last evaluated: 2025-07-20. Review status: criteria provided, single submitter. Criteria: Invitae Variant Classification Sherloc (09022015). Collection method: clinical testing. Allele origin: germline.
Comment: This sequence change replaces glycine, which is neutral and non-polar, with serine, which is neutral and polar, at codon 385 of the TCF3 protein (p.Gly385Ser). The frequency data for this variant in the population databases is considered unreliable, as metrics indicate poor data quality at this position in the gnomAD database. This variant has not been reported in the literature in individuals affected with TCF3-related conditions. ClinVar contains an entry for this variant (Variation ID: 1390322). Invitae Evidence Modeling of protein sequence and biophysical properties (such as structural, functional, and spatial information, amino acid conservation, physicochemical variation, residue mobility, and thermodynamic stability) indicates that this missense variant is not expected to disrupt TCF3 protein function with a negative predictive value of 80%. In summary, the available evidence is currently insufficient to determine the role of this variant in disease. Therefore, it has been classified as a Variant of Uncertain Significance.